The following is an entry in ClinVar:

NM_000179.3(MSH6):c.507G>C (p.Lys169Asn)

Gene: MSH6 (mutS homolog 6; plus strand). Cytogenetic location: 2p16.3.
Variant type: single nucleotide variant.
Coding change: c.507G>C on transcript NM_000179.3 (MANE Select); coding-DNA position 507, G replaced by C.
Protein change: p.Lys169Asn; replaces lysine 169 with asparagine.
Molecular consequence: missense variant. On other transcripts: 5 prime UTR variant (1), intron variant (2).
Genome position (GRCh38, 1-based): chr2:47,795,943, G>C. VCF-style: chr2-47795943-G-C. GRCh37 (hg19) VCF-style: chr2-48023082-G-C.
Other names: c.-396G>C (NM_001281494.2); c.-279-2668G>C (NM_001281493.2); c.238-2668G>C (NM_001281492.2); short protein forms K169N.
Identifiers: ClinVar variation 483874 (VCV000483874.5), dbSNP rs767474992, ClinGen allele CA073090.

ClinVar aggregate classification (germline): Uncertain significance (1 of 4 stars; one submission).

Conditions:
Hereditary cancer-predisposing syndrome. Also called: Neoplastic Syndromes, Hereditary; Tumor predisposition; Hereditary Cancer Syndrome; Hereditary neoplastic syndrome. Identifiers: Orphanet 140162, MedGen C0027672, MeSH D009386, MONDO:0015356.

Allele frequency attached by ClinVar (database versions not stated): gnomAD exomes below 0.00001; ExAC 0.00001.
gnomAD v4.1: 1 of 1,614,132 alleles (0.000062%); highest among the groups gnomAD compares: Non-Finnish European, 0.000085%; no homozygotes.

Submission:

Ambry Genetics
Classification: Uncertain significance for Hereditary cancer-predisposing syndrome. Last evaluated: 2017-07-14. Review status: criteria provided, single submitter. Criteria: Ambry Variant Classification Scheme 2023. Collection method: clinical testing. Allele origin: germline.
Comment: The p.K169N variant (also known as c.507G>C), located in coding exon 3 of the MSH6 gene, results from a G to C substitution at nucleotide position 507. The lysine at codon 169 is replaced by asparagine, an amino acid with similar properties. This amino acid position is highly conserved in available vertebrate species. In addition, this alteration is predicted to be tolerated by in silico analysis. In addition, the CoDP in silico tool predicts this alteration will have minor impact on molecular function, with a score of 0.001 (Terui H et al. J. Biomed. Sci. 2013 Apr;20:25). Since supporting evidence is limited at this time, the clinical significance of this alteration remains unclear.